The following is an entry in ClinVar:

NM_002693.3(POLG):c.3398T>C (p.Ile1133Thr)

Gene: POLG (DNA polymerase gamma, catalytic subunit; minus strand). Cytogenetic location: 15q26.1.
Variant type: single nucleotide variant.
Coding change: c.3398T>C on transcript NM_002693.3 (MANE Select); coding-DNA position 3398, T replaced by C.
Protein change: p.Ile1133Thr; replaces isoleucine 1133 with threonine.
Molecular consequence: missense variant.
Genome position (GRCh38, 1-based): chr15:89,318,625, A>G on the plus strand (T>C on the coding strand, the complement: POLG is on the minus strand). VCF-style: chr15-89318625-A-G. GRCh37 (hg19) VCF-style: chr15-89861856-A-G.
Other names: c.3398T>C, p.Ile1133Thr (NM_001126131.2); short protein forms I1133T.
Identifiers: ClinVar variation 2820652 (VCV002820652.3), dbSNP rs2509202664, ClinGen allele CA393749812.
Genomic context (GRCh38, chr15:89,318,625, plus strand): 5'-AAGGCCAGGGCAGCGCGGTAGCGGTCCTCCTCCCGCACCAGGTAGCGAACCTCGTCATGG[A>G]TGCTGATGCAGAAGCGCCCATCTATGGCAAACTCTTCAAACAGCCACTTCATGGCCACAA-3'
Protein context (NP_002684.1, residues 1123-1143): FAIDGRFCIS[Ile1133Thr]HDEVRYLVRE

ClinVar aggregate classification (germline): Uncertain significance (1 of 4 stars; one submission).

Conditions:
Progressive sclerosing poliodystrophy (MTDPS4A). Also called: ALPERS PROGRESSIVE INFANTILE POLIODYSTROPHY; NEURONAL DEGENERATION OF CHILDHOOD WITH LIVER DISEASE, PROGRESSIVE; Alpers Syndrome; ALPERS DIFFUSE DEGENERATION OF CEREBRAL GRAY MATTER WITH HEPATIC CIRRHOSIS; Alpers-Huttenlocher Syndrome; Mitochondrial DNA Depletion Syndrome 4A. Identifiers: Orphanet 726, MedGen C0205710, MONDO:0008758, OMIM 203700.

Allele frequency attached by ClinVar (database versions not stated): gnomAD exomes below 0.00001.

Submission:

Labcorp Genetics (formerly Invitae), Labcorp
Classification: Uncertain significance for Progressive sclerosing poliodystrophy. Last evaluated: 2022-12-14. Review status: criteria provided, single submitter. Criteria: Invitae Variant Classification Sherloc (09022015). Collection method: clinical testing. Allele origin: germline.
Comment: In summary, the available evidence is currently insufficient to determine the role of this variant in disease. Therefore, it has been classified as a Variant of Uncertain Significance. Advanced modeling of protein sequence and biophysical properties (such as structural, functional, and spatial information, amino acid conservation, physicochemical variation, residue mobility, and thermodynamic stability) performed at Invitae indicates that this missense variant is expected to disrupt POLG protein function. This variant has not been reported in the literature in individuals affected with POLG-related conditions. This variant is not present in population databases (gnomAD no frequency). This sequence change replaces isoleucine, which is neutral and non-polar, with threonine, which is neutral and polar, at codon 1133 of the POLG protein (p.Ile1133Thr).